The following is an entry in ClinVar:

ClinVar aggregate classification (germline): Benign. Review status: reviewed by expert panel (3 of 4 stars). 3 submissions from 3 submitters: Benign (1). 2 of the submissions do not count toward it. Last evaluated 2015-01-12.

Conditions:
Breast-ovarian cancer, familial, susceptibility to, 1 (BROVCA1). Also called: BRCA1 Hereditary Breast and Ovarian Cancer; OVARIAN CANCER, SUSCEPTIBILITY TO. Identifiers: Orphanet 145, MedGen C2676676, MONDO:0011450, OMIM 604370. Disease mechanism: loss of function.

Allele frequency attached by ClinVar (database versions not stated): gnomAD 0.02120 and 0.02488; gnomAD exomes 0.02296; TOPMed 0.03283; 1000 Genomes Project 30x 0.07308; 1000 Genomes Project 0.07608.
gnomAD v4.1: 23,409 of 1,003,540 alleles (2.3%); highest among the groups gnomAD compares: East Asian, 28%; 2,432 homozygotes.

Submissions (3):

Evidence-based Network for the Interpretation of Germline Mutant Alleles (ENIGMA)
Classification: Benign for Breast-ovarian cancer, familial 1. Last evaluated: 2015-01-12. Review status: reviewed by expert panel. Criteria: ENIGMA BRCA1/2 Classification Criteria (2015). Collection method: curation. Allele origin: germline.
Comment: Class 1 not pathogenic based on frequency >1% in an outbred sampleset. Frequency 0.285 (Asian), derived from 1000 genomes (2012-04-30).

GeneDx
Classification: Likely benign. Last evaluated: 2018-06-26. Review status: criteria provided, single submitter. Criteria: GeneDx Variant Classification Process June 2021. Collection method: clinical testing. Allele origin: germline. Affected: yes. Not counted in ClinVar's aggregate classification.

Breakthrough Genomics
Classification: Benign. Review status: criteria provided, single submitter. Criteria: ACMG Guidelines, 2015. Collection method: not provided. Allele origin: germline. Inheritance: Autosomal recessive inheritance. Affected: yes. Not counted in ClinVar's aggregate classification.

NM_007294.4(BRCA1):c.4185+112C>A

Gene: BRCA1 (BRCA1 DNA repair associated; minus strand). Cytogenetic location: 17q21.31.
Variant type: single nucleotide variant.
Coding change: c.4185+112C>A on transcript NM_007294.4 (MANE Select); 112 bases into the intron after coding-DNA position 4185, C replaced by A.
Molecular consequence: intron variant.
Genome position (GRCh38, 1-based): chr17:43,090,832, G>T on the plus strand (C>A on the coding strand, the complement: BRCA1 is on the minus strand). VCF-style: chr17-43090832-G-T. GRCh37 (hg19) VCF-style: chr17-41242849-G-T.
Other names: IVS 12+112G>A; c.735+112C>A (NM_001408458.1, NM_001408469.1, NM_001408453.1 and 11 more transcripts); c.3297+112C>A (NM_001407967.1, NM_001407966.1); c.3804+112C>A (NM_001407959.1, NM_001407963.1, NM_001407960.1); c.3918+112C>A (NM_001407931.1, NM_001407932.1, NM_001407934.1 and 2 more transcripts); c.4041+112C>A (NM_001407747.1, NM_001407848.1, NM_001407839.1 and 20 more transcripts); c.3801+112C>A (NM_001407962.1); c.372+112C>A (NM_001408512.1); and 42 more.
Identifiers: ClinVar variation 209443 (VCV000209443.6), dbSNP rs2070833, ClinGen allele CA276415.